The following is an entry in ClinVar:

NM_001270508.2(TNFAIP3):c.2104A>G (p.Arg702Gly)

Gene: TNFAIP3 (TNF alpha induced protein 3; plus strand). Cytogenetic location: 6q23.3.
Variant type: single nucleotide variant.
Coding change: c.2104A>G on transcript NM_001270508.2 (MANE Select); coding-DNA position 2104, A replaced by G.
Protein change: p.Arg702Gly; replaces arginine 702 with glycine.
Molecular consequence: missense variant.
Genome position (GRCh38, 1-based): chr6:137,881,050, A>G. VCF-style: chr6-137881050-A-G. GRCh37 (hg19) VCF-style: chr6-138202187-A-G.
Other names: c.2104A>G, p.Arg702Gly (NM_001270507.2, NM_006290.4); short protein forms R702G.
Identifiers: ClinVar variation 3688322 (VCV003688322.2).

ClinVar aggregate classification (germline): Uncertain significance (1 of 4 stars; one submission).

gnomAD v4.1: 3 of 1,608,440 alleles (0.00019%); highest among the groups gnomAD compares: Admixed American, 0.0051%; no homozygotes.

Submission:

Labcorp Genetics (formerly Invitae), Labcorp
Classification: Uncertain significance. Last evaluated: 2024-06-05. Review status: criteria provided, single submitter. Criteria: Invitae Variant Classification Sherloc (09022015). Collection method: clinical testing. Allele origin: germline.
Comment: This sequence change replaces arginine, which is basic and polar, with glycine, which is neutral and non-polar, at codon 702 of the TNFAIP3 protein (p.Arg702Gly). This variant is present in population databases (no rsID available, gnomAD 0.009%). This variant has not been reported in the literature in individuals affected with TNFAIP3-related conditions. An algorithm developed to predict the effect of missense changes on protein structure and function (PolyPhen-2) suggests that this variant is likely to be disruptive. In summary, the available evidence is currently insufficient to determine the role of this variant in disease. Therefore, it has been classified as a Variant of Uncertain Significance.